The following is an entry in ClinVar:

NM_000051.4(ATM):c.8933C>G (p.Thr2978Ser)

Genes: ATM (ATM serine/threonine kinase; plus strand), C11orf65 (chromosome 11 open reading frame 65; minus strand). Cytogenetic location: 11q22.3.
Variant type: single nucleotide variant.
Coding change: c.8933C>G on transcript NM_000051.4 (MANE Select); coding-DNA position 8933, C replaced by G.
Protein change: p.Thr2978Ser; replaces threonine 2978 with serine.
Molecular consequence: missense variant. On other transcripts: intron variant (2).
Genome position (GRCh38, 1-based): chr11:108,365,164, C>G. VCF-style: chr11-108365164-C-G. GRCh37 (hg19) VCF-style: chr11-108235891-C-G.
Other names: c.8933C>G, p.Thr2978Ser (NM_001351834.2); c.640+20756G>C (NM_001330368.2); c.694+20756G>C (NM_001351110.2); short protein forms T2978S.
Identifiers: ClinVar variation 1464275 (VCV001464275.7), dbSNP rs765446164, ClinGen allele CA382530061.
Genomic context (GRCh38, chr11:108,365,164, plus strand): 5'-TTGACTGGACCATGAATCCTTTGAAAGCTTTGTATTTACAGCAGAGGCCGGAAGATGAAA[C>G]TGAGCTTCACCCTACTCTGAATGCAGATGACCAAGAATGCAAACGAAATCTCAGGTGAGC-3'
Protein context (NP_000042.3, residues 2968-2988): LYLQQRPEDE[Thr2978Ser]ELHPTLNADD

ClinVar aggregate classification (germline): Uncertain significance (1 of 4 stars; one submission).

Conditions:
Ataxia-telangiectasia syndrome (AT). Also called: LOUIS-BAR SYNDROME; Cerebello-oculocutaneous telangiectasia; Immunodeficiency with ataxia telangiectasia; Ataxia telangiectasia (A-T); Ataxia-telangiectasia, complementation group D; AT, COMPLEMENTATION GROUP C. Identifiers: Orphanet 100, MedGen C0004135, MONDO:0008840, OMIM 208900.

Submission:

Labcorp Genetics (formerly Invitae), Labcorp
Classification: Uncertain significance for Ataxia-telangiectasia syndrome. Last evaluated: 2021-08-06. Review status: criteria provided, single submitter. Criteria: Invitae Variant Classification Sherloc (09022015). Collection method: clinical testing. Allele origin: germline.
Comment: Algorithms developed to predict the effect of sequence changes on RNA splicing suggest that this variant may create or strengthen a splice site. This sequence change replaces threonine with serine at codon 2978 of the ATM protein (p.Thr2978Ser). The threonine residue is weakly conserved and there is a small physicochemical difference between threonine and serine. This variant is not present in population databases (ExAC no frequency). This variant has not been reported in the literature in individuals affected with ATM-related conditions. Algorithms developed to predict the effect of missense changes on protein structure and function output the following: SIFT: "Tolerated"; PolyPhen-2: "Benign"; Align-GVGD: "Class C0". The serine amino acid residue is found in multiple mammalian species, which suggests that this missense change does not adversely affect protein function. In summary, the available evidence is currently insufficient to determine the role of this variant in disease. Therefore, it has been classified as a Variant of Uncertain Significance.